The following is an entry in ClinVar:

ClinVar aggregate classification (germline): Conflicting classifications of pathogenicity. Review status: criteria provided, conflicting classifications (1 of 4 stars). 3 submissions from 3 submitters: Uncertain significance (1); Likely benign (2). Last evaluated 2021-06-16.

Conditions:
Hereditary spastic paraplegia. Also called: Familial spastic paraparesis. Identifiers: Orphanet 685, MedGen C0037773, MONDO:0019064. Disease mechanism: loss of function.
Progressive sclerosing poliodystrophy (MTDPS4A). Also called: NEURONAL DEGENERATION OF CHILDHOOD WITH LIVER DISEASE, PROGRESSIVE; ALPERS PROGRESSIVE INFANTILE POLIODYSTROPHY; Alpers-Huttenlocher Syndrome (AHS); Mitochondrial DNA depletion syndrome 4A (Alpers type); Mitochondrial DNA Depletion Syndrome 4A; Alpers Syndrome. Identifiers: Orphanet 726, MedGen C0205710, MONDO:0008758, OMIM 203700.

gnomAD v4.1: 3 of 1,612,596 alleles (0.00019%); highest among the groups gnomAD compares: East Asian, 0.0045%; no homozygotes.

Submissions (3):

Genome Diagnostics Laboratory, The Hospital for Sick Children
Classification: Uncertain significance for Hereditary spastic paraplegia. Last evaluated: 2021-06-16. Review status: criteria provided, single submitter. Criteria: ACMG Guidelines, 2015. Collection method: clinical testing. Allele origin: germline. Affected: yes.

Labcorp Genetics (formerly Invitae), Labcorp
Classification: Likely benign for Progressive sclerosing poliodystrophy. Last evaluated: 2019-05-29. Review status: criteria provided, single submitter. Criteria: Invitae Variant Classification Sherloc (09022015). Collection method: clinical testing. Allele origin: germline.

GeneDx
Classification: Likely benign. Last evaluated: 2017-06-22. Review status: criteria provided, single submitter. Criteria: GeneDx Variant Classification (06012015). Collection method: clinical testing. Allele origin: germline. Affected: yes.
Comment: This variant is considered likely benign or benign based on one or more of the following criteria: it is a conservative change, it occurs at a poorly conserved position in the protein, it is predicted to be benign by multiple in silico algorithms, and/or has population frequency not consistent with disease.

NM_002693.3(POLG):c.1872G>A (p.Val624=)

Gene: POLG (DNA polymerase gamma, catalytic subunit; minus strand). Cytogenetic location: 15q26.1.
Variant type: single nucleotide variant.
Coding change: c.1872G>A on transcript NM_002693.3 (MANE Select); coding-DNA position 1872, G replaced by A.
Protein change: p.Val624=; no amino-acid change (valine 624 retained).
Molecular consequence: synonymous variant.
Genome position (GRCh38, 1-based): chr15:89,325,527, C>T on the plus strand (G>A on the coding strand, the complement: POLG is on the minus strand). VCF-style: chr15-89325527-C-T. GRCh37 (hg19) VCF-style: chr15-89868758-C-T.
Other names: c.1872G>A, p.Val624= (NM_001126131.2).
Identifiers: ClinVar variation 458697 (VCV000458697.9), dbSNP rs765506021, ClinGen allele CA492289266.